The following is an entry in ClinVar:

NM_001034853.2(RPGR):c.3092del (p.Glu1031fs)

Gene: RPGR (retinitis pigmentosa GTPase regulator; minus strand). Cytogenetic location: Xp11.4.
Variant type: Deletion.
Coding change: c.3092del on transcript NM_001034853.2 (MANE Select); coding-DNA position 3092, one base deleted (A; older notation c.3092delA).
Protein change: p.Glu1031fs; shifts the reading frame from glutamic acid 1031.
Molecular consequence: frameshift variant. On other transcripts: intron variant (8).
Genome position (GRCh38, 1-based): chrX:38,285,907, T deleted on the plus strand (A on the coding strand, the reverse complement: RPGR is on the minus strand). VCF-style (leftmost placement, unchanged base first): chrX-38285906-CT-C. GRCh37 (hg19) VCF-style: chrX-38145159-CT-C.
Other names: NM_001034853.2(RPGR):c.3092del; p.Glu1031fs; c.1569+5052del (NM_001367249.1, NM_001367250.1); c.1902+1187del (NM_001367245.1); c.1386+5052del (NM_001367251.1); c.1719+1187del (NM_001367246.1); c.1572+5052del (NM_001367247.1); c.1905+1187del (NM_000328.3); and 2 more; short protein forms E1031fs.
Identifiers: ClinVar variation 866381 (VCV000866381.61), dbSNP rs1186795749, ClinGen allele CA875124281.

ClinVar aggregate classification (germline): Pathogenic. Review status: reviewed by expert panel (3 of 4 stars). 14 submissions from 13 submitters: Pathogenic (1). 13 of the submissions do not count toward it. Last evaluated 2025-09-06.

Conditions:
Retinitis pigmentosa (RP). Identifiers: Orphanet 791, MedGen C0035334, MeSH D012174, MONDO:0019200, OMIM 268000. Inheritance: Autosomal dominant, autosomal recessive and X linked inheritance.
RPGR-related retinopathy. Also called: RPGR retinopathy. Identifiers: MedGen CN305589, MONDO:0100437.
Retinal dystrophy. Also called: Inherited retinal dystrophy. Identifiers: Orphanet 71862, MedGen C0854723, MeSH D058499, MONDO:0019118, HP:0000556.
Primary ciliary dyskinesia. Also called: Ciliary dyskinesia. Identifiers: Orphanet 244, MedGen C0008780, MONDO:0016575, HP:0012265.
X-linked cone-rod dystrophy 1 (CORDX1). Identifiers: Orphanet 1872, MedGen C1844776, MONDO:0010566, OMIM 304020.
Retinitis pigmentosa 3. Also called: CHOROIDORETINAL DEGENERATION WITH RETINAL REFLEX IN HETEROZYGOUS WOMEN. Identifiers: Orphanet 791, MedGen C1845667, MONDO:0010227, OMIM 300029.

Allele frequency attached by ClinVar (database versions not stated): TOPMed 0.00001.

Submissions 1 to 9 of 14:

ClinGen X-linked Inherited Retinal Disease Variant Curation Expert Panel, ClinGen
Classification: Pathogenic for RPGR-related retinopathy. Last evaluated: 2025-09-06. Review status: reviewed by expert panel. Criteria: ClinGen X LinkedIRD ACMG Specifications RPGR V1.0.0. Collection method: curation. Allele origin: germline. Inheritance: X-linked inheritance.
Comment: NM_001034853.2(RPGR):c.3092del (p.Glu1031GlyfsTer?) is a frameshift variant due to a 1-nucleotide deletion in codon 1031 introducing a premature stop codon within exon 15 of 15 that is predicted to disrupt a critical C-terminal region required for proper glutamylation of RPGR (PVS1, PMID: 36445968). This variant is absent from hemizygotes in gnomAD v4.1.0 (PM2_Supporting). This variant has been reported in at least 2 apparently unrelated probands meeting one of the PS4 requirements of a male with some functional vision impairment by age 30 years and/or decreased or absent electroretinogram responses, or a female with functional visual abnormality and documentation of a male relative affected with retinitis pigmentosa (PMID: 34745198, PMID: 29528978, PS4_Supporting). At least one proband harboring this variant exhibits a phenotype including family history consistent with X-linked inheritance (2 pts), onset at age 15 years, electroretinogram responses severely reduced from cones and mildly reduced from rods (1 pt), photophobia (1 pt), reduced visual acuity (0.5 pts), high myopia (1 pt), and genotyping by exome sequencing identifying no alternative basis for retinal disease (2 pts) which together are specific for RPGR-related retinopathy (7.5 points, PMID: 31645972, PP4). The variant has been reported to segregate with retinal dystrophy through at least 4 affected meioses from 2 families (PP1_Strong, PMID: 30105367, PMID: 31645972). In summary, this variant is classified as pathogenic for RPGR-related retinopathy based on the ClinGen X-linked Inherited Retinal Disease Expert Panel Specifications to the ACMG/AMP Variant Interpretation Guidelines for RPGR Version 1.0.0; PVS1, PS4_Supporting, PM2_Supporting, PP1_Strong, and PP4.

Labcorp Genetics (formerly Invitae), Labcorp
Classification: Pathogenic for Primary ciliary dyskinesia. Last evaluated: 2026-01-05. Review status: criteria provided, single submitter. Criteria: Invitae Variant Classification Sherloc (09022015). Collection method: clinical testing. Allele origin: germline. Not counted in ClinVar's aggregate classification.
Comment: This sequence change creates a premature translational stop signal (p.Glu1031Glyfs*58) in the RPGR (ORF15) gene. While this is not anticipated to result in nonsense mediated decay, it is expected to disrupt the last 122 amino acid(s) of the RPGR (ORF15) protein. This variant is not present in population databases (gnomAD no frequency). This premature translational stop signal has been observed in individual(s) with retinitis pigmentosa (PMID: 12657579, 18332319, 31804667). This variant is also known as ORF15+1339delA. ClinVar contains an entry for this variant (Variation ID: 866381). This variant disrupts a region of the RPGR (ORF15) protein in which other variant(s) (p.Leu1130Lysfs*13) have been determined to be pathogenic (PMID: 22264887; internal data). This suggests that this is a clinically significant region of the protein, and that variants that disrupt it are likely to be disease-causing. For these reasons, this variant has been classified as Pathogenic.

SingHealth Duke-NUS Institute of Precision Medicine
Classification: Pathogenic for Retinitis pigmentosa 3. Last evaluated: 2025-02-05. Review status: criteria provided, single submitter. Criteria: PRISM ACMG Classification Criteria. Collection method: clinical testing. Allele origin: germline. Affected: yes. Not counted in ClinVar's aggregate classification.
Comment: Variant is predicted to cause LOF (PVS1). Prevalence in affected patients is increased compared to the general population (PS4)

3billion
Classification: Pathogenic for Retinitis pigmentosa 3. Last evaluated: 2024-11-22. Review status: criteria provided, single submitter. Criteria: ACMG Guidelines, 2015. Collection method: clinical testing. Allele origin: germline. Affected: yes. Not counted in ClinVar's aggregate classification.
Comment: The variant is observed at an extremely low frequency in the gnomAD v4.1.0 dataset (total allele frequency: <0.001%). Predicted Consequence/Location: Frameshift: predicted to result in a loss or disruption of normal protein function through protein truncation. Multiple pathogenic variants are reported in the predicted truncated region. The variant has been reported at least twice as pathogenic with clinical assertions and evidence for the classification (ClinVar ID: VCV000866381 /3billion dataset). Therefore, this variant is classified as Pathogenic according to the recommendation of ACMG/AMP guideline.

Victorian Clinical Genetics Services, Murdoch Childrens Research Institute
Classification: Pathogenic for Retinitis pigmentosa 3. Last evaluated: 2024-10-08. Review status: criteria provided, single submitter. Criteria: ACMG Guidelines, 2015. Collection method: clinical testing. Allele origin: germline. Not counted in ClinVar's aggregate classification.
Comment: Based on the classification scheme VCGS_Germline_v1.1.1, this variant is classified as Pathogenic. Following criteria are met: 0103 - Loss-of-function is a known mechanism of disease for this gene. Gain-of-function has also been suggested as a mechanism for truncating variants in ORF15 (PMID: 14691151; PMID: 27995965). (N) 0109 - This gene is known to be associated with X-linked recessive disease. This gene is predominantly associated with X-linked recessive disease, however dominant inheritance patterns have also been reported for some variants (OMIM, PMID: 23372056). X-inactivation was associated with variable severity in females (PMID: 31953110). (N) 0205 - Variant is predicted to result in a truncated protein with less than 1/3 of the protein affected (exon 15 of 15). Exon 15 is also known as ORF15 in the NM_001034853.1 transcript (PMID: 30193314). (P) 0253 - Variant is hemizygous. (N) 0301 - Variant is absent from gnomAD. (P) 0701 - Comparable variants have very strong previous evidence for pathogenicity. Other variants located dowsntream and predicted to cause a truncated protein have been reported as pathogenic in individuals with retinal dystrophy (ClinVar; PMID: 23681342; 23372056, 27620828). (P) 0801 - Strong previous evidence of pathogenicity in unrelated individuals. This variant has been classified as pathogenic by clinical laboratories in ClinVar and reported in individuals with retinitis pigmentosa (PMID: 17195164; 10932196). (N) Legend: (P) - Pathogenic, (N) - Neutral, (B) - Benign

CeGaT Center for Human Genetics Tuebingen
Classification: Pathogenic. Last evaluated: 2024-04-01. Review status: criteria provided, single submitter. Criteria: CeGaT Center For Human Genetics Tuebingen Variant Classification Criteria Version 2. Collection method: clinical testing. Allele origin: germline. Affected: yes. Observed: 4 variant alleles. Not counted in ClinVar's aggregate classification.
Comment: RPGR: PVS1:Strong, PM1, PM2, PS4:Moderate

GeneDx
Classification: Pathogenic. Last evaluated: 2022-09-11. Review status: criteria provided, single submitter. Criteria: GeneDx Variant Classification Process June 2021. Collection method: clinical testing. Allele origin: germline. Affected: yes. Not counted in ClinVar's aggregate classification.
Comment: Frameshift variant predicted to result in protein truncation, as the last 122 amino acids are replaced with 57 different amino acids, and other loss-of-function variants have been reported downstream in HGMD; Not observed at significant frequency in large population cohorts (gnomAD); Also known as ORF15+1339delA; This variant is associated with the following publications: (PMID: 33355362, 30567410, 24077912, 31804667, 31645972, 32795431, 12657579, 18332319, 18552978, 27798110)

MGZ Medical Genetics Center
Classification: Pathogenic for X-linked cone-rod dystrophy 1. Last evaluated: 2022-02-15. Review status: criteria provided, single submitter. Criteria: ACMG Guidelines, 2015. Collection method: clinical testing. Allele origin: germline. Affected: yes. Observed: 1 variant allele. Not counted in ClinVar's aggregate classification.
Comment: ACMG criteria applied: PVS1, PM2_SUP, PP1

Ocular Genomics Institute, Massachusetts Eye and Ear
Classification: Pathogenic for Retinitis pigmentosa 3. Last evaluated: 2021-04-08. Review status: criteria provided, single submitter. Criteria: ACMG Guidelines, 2015. Collection method: research. Allele origin: germline. Affected: yes. Not counted in ClinVar's aggregate classification.
Comment: Through a review of available evidence we were able to apply the following criteria: PVS1, PP3, PM2, PP1-M. Based on this evidence we have classified this variant as Pathogenic.